The following is an entry in ClinVar:

ClinVar aggregate classification (germline): Benign/Likely benign. Review status: criteria provided, multiple submitters, no conflicts (2 of 4 stars). 4 submissions from 4 submitters: Benign (1); Likely benign (3). Last evaluated 2025-09-03.

Conditions:
Hereditary cancer-predisposing syndrome. Also called: Hereditary neoplastic syndrome; Neoplastic Syndromes, Hereditary; Tumor predisposition; Hereditary Cancer Syndrome. Identifiers: Orphanet 140162, MedGen C0027672, MeSH D009386, MONDO:0015356.
Multiple endocrine neoplasia, type 1 (MEN1). Also called: MEA I; MEN I; WERMER SYNDROME; Endocrine adenomatosis multiple; MEN 1. Identifiers: Orphanet 652, MedGen C0025267, MeSH D018761, MONDO:0007540, OMIM 131100.

Allele frequency attached by ClinVar (database versions not stated): TOPMed below 0.00001.
gnomAD v4.1: 2 of 1,595,884 alleles (0.00013%); highest among the groups gnomAD compares: Non-Finnish European, 0.00017%; no homozygotes.

Submissions (4):

Labcorp Genetics (formerly Invitae), Labcorp
Classification: Likely benign for Multiple endocrine neoplasia, type 1. Last evaluated: 2025-09-03. Review status: criteria provided, single submitter. Criteria: Invitae Variant Classification Sherloc (09022015). Collection method: clinical testing. Allele origin: germline.

Color Diagnostics, LLC DBA Color Health
Classification: Likely benign for Multiple endocrine neoplasia, type 1. Last evaluated: 2025-06-23. Review status: criteria provided, single submitter. Criteria: ACMG Guidelines, 2015. Collection method: clinical testing. Allele origin: germline.

Myriad Genetics, Inc.
Classification: Benign for Multiple endocrine neoplasia, type 1. Last evaluated: 2024-10-31. Review status: criteria provided, single submitter. Criteria: Myriad Autosomal Dominant, Autosomal Recessive and X-Linked Classification Criteria (2023). Collection method: clinical testing. Allele origin: unknown.
Comment: This variant is considered benign. This variant is a silent/synonymous amino acid change and it is not expected to impact splicing.

Ambry Genetics
Classification: Likely benign for Hereditary cancer-predisposing syndrome. Last evaluated: 2018-04-05. Review status: criteria provided, single submitter. Criteria: Ambry Variant Classification Scheme 2023. Collection method: clinical testing. Allele origin: germline.

NM_001370259.2(MEN1):c.15C>A (p.Ala5=)

Gene: MEN1 (menin 1; minus strand). Cytogenetic location: 11q13.1.
Variant type: single nucleotide variant.
Coding change: c.15C>A on transcript NM_001370259.2 (MANE Select); coding-DNA position 15, C replaced by A.
Protein change: p.Ala5=; no amino-acid change (alanine 5 retained).
Molecular consequence: synonymous variant.
Genome position (GRCh38, 1-based): chr11:64,810,095, G>T on the plus strand (C>A on the coding strand, the complement: MEN1 is on the minus strand). VCF-style: chr11-64810095-G-T. GRCh37 (hg19) VCF-style: chr11-64577567-G-T.
Other names: c.15C>A, p.Ala5= (NM_000244.4, NM_001370251.2, NM_001370260.2 and 9 more transcripts).
Identifiers: ClinVar variation 412562 (VCV000412562.17), dbSNP rs757821521, ClinGen allele CA16613493.